The following is an entry in ClinVar:

NM_000127.3(EXT1):c.644_658del (p.Met215_Ala219del)

Gene: EXT1 (exostosin glycosyltransferase 1; minus strand). Cytogenetic location: 8q24.11.
Variant type: Deletion.
Coding change: c.644_658del on transcript NM_000127.3 (MANE Select); coding-DNA positions 644 to 658, 15 bases deleted (TGCTGGCCAAAGCCA).
Protein change: p.Met215_Ala219del.
Genome position (GRCh38, 1-based): chr8:118,110,389-118,110,403, TGGCTTTGGCCAGCA deleted on the plus strand (TGCTGGCCAAAGCCA on the coding strand, the reverse complement: EXT1 is on the minus strand); deleting any 15 consecutive bases within chr8:118,110,389-118,110,404 gives the same sequence; the c. name uses the placement nearest the transcript's 3' end. VCF-style (leftmost placement, unchanged base first): chr8-118110388-CTGGCTTTGGCCAGCA-C. GRCh37 (hg19) VCF-style: chr8-119122627-CTGGCTTTGGCCAGCA-C.
Identifiers: ClinVar variation 4857201 (VCV004857201.1).

ClinVar aggregate classification (germline): Likely pathogenic (1 of 4 stars; one submission).

Conditions:
Exostoses, multiple, type 1 (EXT1). Also called: EXOSTOSES, MULTIPLE, TYPE I; Hereditary Multiple Osteochondromatosis, Type I. Identifiers: MedGen CN263289, MONDO:0007585, OMIM 133700.

Submission:

Genos
Classification: Likely pathogenic for Exostoses, multiple, type 1. Last evaluated: 2026-06-02. Review status: criteria provided, single submitter. Criteria: ACMG Guidelines, 2015. Collection method: clinical testing. Allele origin: unknown. Inheritance: Autosomal dominant inheritance. Affected: yes.
Comment: The NM_000127.3(EXT1):c.644_658del variant is an in-frame deletion predicted to remove five amino acids from exostosin-1, p.(Met215_Ala219del). The deleted residues are located within the N-terminal exostosin/GT47 glycosyltransferase domain, which is involved in heparan sulfate chain elongation. The variant is absent from gnomAD v4.1.0, although population database frequencies for this variant type may be underestimated. Based on ACMG/AMP criteria, the variant was classified as likely pathogenic: PM1, PM4, PM2_supporting, PP4.